The following is an entry in ClinVar:

NM_001130009.3(GEN1):c.1658T>C (p.Ile553Thr)

Gene: GEN1 (GEN1 Holliday junction 5' flap endonuclease; plus strand). Cytogenetic location: 2p24.2.
Variant type: single nucleotide variant.
Coding change: c.1658T>C on transcript NM_001130009.3 (MANE Select); coding-DNA position 1658, T replaced by C.
Protein change: p.Ile553Thr; replaces isoleucine 553 with threonine.
Molecular consequence: missense variant.
Genome position (GRCh38, 1-based): chr2:17,780,870, T>C. VCF-style: chr2-17780870-T-C. GRCh37 (hg19) VCF-style: chr2-17962137-T-C.
Other names: c.1658T>C, p.Ile553Thr (NM_182625.5); short protein forms I553T.
Identifiers: ClinVar variation 3853553 (VCV003853553.1).

ClinVar aggregate classification (germline): Uncertain significance (1 of 4 stars; one submission).

gnomAD v4.1: 3 of 1,613,864 alleles (0.00019%); highest among the groups gnomAD compares: South Asian, 0.0011%; no homozygotes.

Submission:

Ambry Genetics
Classification: Uncertain significance. Last evaluated: 2025-02-06. Review status: criteria provided, single submitter. Criteria: Ambry Variant Classification Scheme 2023. Collection method: clinical testing. Allele origin: germline.
Comment: The p.I553T variant (also known as c.1658T>C), located in coding exon 13 of the GEN1 gene, results from a T to C substitution at nucleotide position 1658. The isoleucine at codon 553 is replaced by threonine, an amino acid with similar properties. This amino acid position is conserved. In addition, this alteration is predicted to be tolerated by in silico analysis. Based on the available evidence, the clinical significance of this variant remains unclear.